The following is an entry in ClinVar:

ClinVar aggregate classification (germline): Uncertain significance. Review status: criteria provided, multiple submitters, no conflicts (2 of 4 stars). 2 submissions from 2 submitters: Uncertain significance (2). Last evaluated 2023-12-28.

Allele frequency attached by ClinVar (database versions not stated): gnomAD 0.00003; TOPMed 0.00002.
gnomAD v4.1: 65 of 1,305,040 alleles (0.005%); highest among the groups gnomAD compares: Non-Finnish European, 0.0059%; no homozygotes.

Submissions (2):

Labcorp Genetics (formerly Invitae), Labcorp
Classification: Uncertain significance. Last evaluated: 2023-12-28. Review status: criteria provided, single submitter. Criteria: Invitae Variant Classification Sherloc (09022015). Collection method: clinical testing. Allele origin: germline.
Comment: This sequence change replaces glutamine, which is neutral and polar, with arginine, which is basic and polar, at codon 1047 of the ERCC6L2 protein (p.Gln1047Arg). This variant is present in population databases (no rsID available, gnomAD 0.004%). This variant has not been reported in the literature in individuals affected with ERCC6L2-related conditions. ClinVar contains an entry for this variant (Variation ID: 1058124). Experimental studies and prediction algorithms are not available or were not evaluated, and the functional significance of this variant is currently unknown. In summary, the available evidence is currently insufficient to determine the role of this variant in disease. Therefore, it has been classified as a Variant of Uncertain Significance.

Women's Health and Genetics/Laboratory Corporation of America, LabCorp
Classification: Uncertain significance. Last evaluated: 2023-06-13. Review status: criteria provided, single submitter. Criteria: LabCorp Variant Classification Summary - May 2015. Collection method: clinical testing. Allele origin: germline.
Comment: Variant summary: C9orf102 (ERCC6L2) c.3140A>G (p.Gln1047Arg), also referred to as c.3107A>G, results in a conservative amino acid change in the encoded protein sequence. One of two in-silico tools predict a benign effect of the variant on protein function. The variant allele was found at a frequency of 1.6e-05 in 184314 control chromosomes (gnomAD). The available data on variant occurrences in the general population are insufficient to allow any conclusion about variant significance. To our knowledge, no occurrence of c.3140A>G in individuals affected with Pancytopenia-Developmental Delay Syndrome and no experimental evidence demonstrating its impact on protein function have been reported. One clinical diagnostic laboratory has submitted a clinical-significance assessment for this variant to ClinVar after 2014 and classified the variant as uncertain significance. Based on the evidence outlined above, the variant was classified as uncertain significance.

NM_020207.7(ERCC6L2):c.3107A>G (p.Gln1036Arg)

Gene: ERCC6L2 (ERCC excision repair 6 like 2; plus strand). Cytogenetic location: 9q22.32.
Variant type: single nucleotide variant.
Coding change: c.3107A>G on transcript NM_020207.7 (MANE Select); coding-DNA position 3107, A replaced by G.
Protein change: p.Gln1036Arg; replaces glutamine 1036 with arginine.
Molecular consequence: missense variant. On other transcripts: non-coding transcript variant (1).
Genome position (GRCh38, 1-based): chr9:95,972,858, A>G. VCF-style: chr9-95972858-A-G. GRCh37 (hg19) VCF-style: chr9-98735140-A-G.
Other names: c.3107A>G, p.Gln1036Arg (NM_001375291.1, NM_001375292.1, NM_001375293.1 and 1 more transcripts); c.3140A>G (NM_020207.4); short protein forms Q1036R.
Identifiers: ClinVar variation 1058124 (VCV001058124.7), dbSNP rs376412922, ClinGen allele CA196597794.
Genomic context (GRCh38, chr9:95,972,858, plus strand): 5'-CTCCCAAAACAATGAACAAAACAAACCAAGTGTATGCAGCAAATGAGGATCATAACTCTC[A>G]GTTTATTGATGATTATTCATCCTCAGATGAGAGTTTATCCGTCAGCCACTTCAGTTTCTC-3'
Protein context (NP_064592.3, residues 1026-1046): VYAANEDHNS[Gln1036Arg]FIDDYSSSDE